The following is an entry in ClinVar:

ClinVar aggregate classification (germline): Uncertain significance (1 of 4 stars; one submission).

Submission:

Ambry Genetics
Classification: Uncertain significance. Last evaluated: 2024-06-26. Review status: criteria provided, single submitter. Criteria: Ambry Variant Classification Scheme 2023. Collection method: clinical testing. Allele origin: germline.
Comment: The c.3465+3G>T intronic variant results from a G to T substitution 3 nucleotides after coding exon 3 in the MLH3 gene. This nucleotide position is poorly conserved in available vertebrate species. In silico splice site analysis predicts that this alteration may weaken the native splice donor site. The evidence for this gene-disease relationship is limited; therefore, the clinical significance of this alteration is unclear.

NM_001040108.2(MLH3):c.3465+3G>T

Gene: MLH3 (mutL homolog 3; minus strand). Cytogenetic location: 14q24.3.
Variant type: single nucleotide variant.
Coding change: c.3465+3G>T on transcript NM_001040108.2 (MANE Select); 3 bases into the intron after coding-DNA position 3465, G replaced by T.
Molecular consequence: intron variant.
Genome position (GRCh38, 1-based): chr14:75,041,612, C>A on the plus strand (G>T on the coding strand, the complement: MLH3 is on the minus strand). VCF-style: chr14-75041612-C-A. GRCh37 (hg19) VCF-style: chr14-75508315-C-A.
Other names: c.3465+3G>T (NM_014381.3).
Identifiers: ClinVar variation 3396608 (VCV003396608.1).